The following is an entry in ClinVar:

ClinVar aggregate classification (germline): Benign/Likely benign. Review status: criteria provided, multiple submitters, no conflicts (2 of 4 stars). 3 submissions from 3 submitters: Benign (2); Likely benign (1). Last evaluated 2024-11-01.

Allele frequency attached by ClinVar (database versions not stated): 1000 Genomes Project 0.00140; 1000 Genomes Project 30x 0.00156; TOPMed 0.00423; gnomAD 0.00468 and 0.00479; ESP Exome Variant Server 0.00577; gnomAD exomes 0.00598 and 0.00822; ExAC 0.00702.
gnomAD v4.1: 12,440 of 1,607,032 alleles (0.77%); highest among the groups gnomAD compares: Non-Finnish European, 0.95%; 70 homozygotes.

Submissions (3):

CeGaT Center for Human Genetics Tuebingen
Classification: Likely benign. Last evaluated: 2024-11-01. Review status: criteria provided, single submitter. Criteria: CeGaT Center For Human Genetics Tuebingen Variant Classification Criteria Version 2. Collection method: clinical testing. Allele origin: germline. Affected: yes. Observed: 3 variant alleles.
Comment: TEX15: BP4, BP7, BS2

Labcorp Genetics (formerly Invitae), Labcorp
Classification: Benign. Last evaluated: 2018-09-12. Review status: criteria provided, single submitter. Criteria: Invitae Variant Classification Sherloc (09022015). Collection method: clinical testing. Allele origin: germline.

Breakthrough Genomics
Classification: Benign. Review status: criteria provided, single submitter. Criteria: ACMG Guidelines, 2015. Collection method: not provided. Allele origin: germline. Inheritance: Autosomal recessive inheritance. Affected: yes.

NM_001350162.2(TEX15):c.9462A>G (p.Pro3154=)

Gene: TEX15 (testis expressed 15, meiosis and synapsis associated; minus strand). Cytogenetic location: 8p12.
Variant type: single nucleotide variant.
Coding change: c.9462A>G on transcript NM_001350162.2 (MANE Select); coding-DNA position 9462, A replaced by G.
Protein change: p.Pro3154=; no amino-acid change (proline 3154 retained).
Molecular consequence: synonymous variant.
Genome position (GRCh38, 1-based): chr8:30,836,822, T>C on the plus strand (A>G on the coding strand, the complement: TEX15 is on the minus strand). VCF-style: chr8-30836822-T-C. GRCh37 (hg19) VCF-style: chr8-30694338-T-C.
Identifiers: ClinVar variation 788821 (VCV000788821.27), dbSNP rs142159772, ClinGen allele CA4702123.
Genomic context (GRCh38, chr8:30,836,822, plus strand): 5'-GTAACAACTCAATAAAGCAGGCATTAAAATGTGAAACTCACCATAAACCCAAGGAACTTC[T>C]GGAGGCACAAATCGATTAGGAAGGTAAGGGTATGTAGCTTGTGGTAATGGCTGATGAGAA-3'
Protein context (NP_001337091.1, residues 3144-3164): YPYLPNRFVP[Pro3154=]EVPWVYAPWH